The following is an entry in ClinVar:

Conditions:
Breast-ovarian cancer, familial, susceptibility to, 1 (BROVCA1). Also called: BRCA1 Hereditary Breast and Ovarian Cancer; OVARIAN CANCER, SUSCEPTIBILITY TO. Identifiers: Orphanet 145, MedGen C2676676, MONDO:0011450, OMIM 604370. Disease mechanism: loss of function.

Submission:

Brotman Baty Institute, University of Washington
No classification provided (evidence only). Condition: Breast-ovarian cancer, familial 1. Review status: no classification provided. Collection method: in vitro. Allele origin: not applicable. Functional consequence: function_uncertain_variant.
ClinVar note: "not provided" was previously submitted as the classification for the variant. However, the classification appeared to be based only on an observation of functional data so it was converted to no classification on 2025-07-30.

NM_007294.4(BRCA1):c.5407-6A>C

Gene: BRCA1 (BRCA1 DNA repair associated; minus strand). Cytogenetic location: 17q21.31.
Variant type: single nucleotide variant.
Coding change: c.5407-6A>C on transcript NM_007294.4 (MANE Select); 6 bases into the intron before coding-DNA position 5407, A replaced by C.
Molecular consequence: intron variant.
Genome position (GRCh38, 1-based): chr17:43,047,709, T>G on the plus strand (A>C on the coding strand, the complement: BRCA1 is on the minus strand). VCF-style: chr17-43047709-T-G. GRCh37 (hg19) VCF-style: chr17-41199726-T-G.
Other names: c.5137-6A>C (NM_001407935.1, NM_001407936.1, NM_001407934.1); c.5143-6A>C (NM_001407926.1, NM_001407924.1, NM_001407920.1 and 4 more transcripts); c.5260-6A>C (NM_001407851.1, NM_001407849.1, NM_001407845.1 and 12 more transcripts); c.5263-6A>C (NM_001407735.1, NM_001407744.1, NM_001407750.1 and 18 more transcripts); c.5266-6A>C (NM_001407729.1, NM_001407698.1, NM_001407694.1 and 12 more transcripts); c.5194-6A>C (NM_001407899.1, NM_001407895.1, NM_001407910.1 and 12 more transcripts); c.1768-6A>C (NM_001408507.1); c.1852-6A>C (NM_001408495.1); and 83 more.
Identifiers: ClinVar variation 865456 (VCV000865456.3), dbSNP rs2050996914, ClinGen allele CA916080784.